The following is an entry in ClinVar:

ClinVar aggregate classification (germline): Uncertain significance (1 of 4 stars; one submission).

Allele frequency attached by ClinVar (database versions not stated): gnomAD exomes below 0.00001.

Submission:

GeneDx
Classification: Uncertain significance. Last evaluated: 2025-04-18. Review status: criteria provided, single submitter. Criteria: GeneDx Variant Classification Process June 2021. Collection method: clinical testing. Allele origin: germline.
Comment: Not observed at significant frequency in large population cohorts (gnomAD); In silico analysis supports that this missense variant has a deleterious effect on protein structure/function; Has not been previously published as pathogenic or benign to our knowledge

NM_015352.2(POFUT1):c.232C>T (p.Pro78Ser)

Gene: POFUT1 (protein O-fucosyltransferase 1; plus strand). Cytogenetic location: 20q11.21.
Variant type: single nucleotide variant.
Coding change: c.232C>T on transcript NM_015352.2 (MANE Select); coding-DNA position 232, C replaced by T.
Protein change: p.Pro78Ser; replaces proline 78 with serine.
Molecular consequence: missense variant.
Genome position (GRCh38, 1-based): chr20:32,210,178, C>T. VCF-style: chr20-32210178-C-T. GRCh37 (hg19) VCF-style: chr20-30797981-C-T.
Other names: c.232C>T, p.Pro78Ser (NM_172236.2); short protein forms P78S.
Identifiers: ClinVar variation 2499912 (VCV002499912.2), dbSNP rs2516174157, ClinGen allele CA408546951.